The following is an entry in ClinVar:

NM_000179.3(MSH6):c.3911G>C (p.Arg1304Thr)

Gene: MSH6 (mutS homolog 6; plus strand). Cytogenetic location: 2p16.3.
Variant type: single nucleotide variant.
Coding change: c.3911G>C on transcript NM_000179.3 (MANE Select); coding-DNA position 3911, G replaced by C.
Protein change: p.Arg1304Thr; replaces arginine 1304 with threonine.
Molecular consequence: missense variant.
Genome position (GRCh38, 1-based): chr2:47,806,561, G>C. VCF-style: chr2-47806561-G-C. GRCh37 (hg19) VCF-style: chr2-48033700-G-C.
Other names: c.3911G>C (NM_000179.2); c.3521G>C, p.Arg1174Thr (NM_001281492.2); c.3005G>C, p.Arg1002Thr (NM_001281493.2, NM_001281494.2); short protein forms R1002T, R1304T, R1174T.
Identifiers: ClinVar variation 1039899 (VCV001039899.10), dbSNP rs34625968, ClinGen allele CA346761441.

ClinVar aggregate classification (germline): Uncertain significance. Review status: criteria provided, multiple submitters, no conflicts (2 of 4 stars). 2 submissions from 2 submitters: Uncertain significance (2). Last evaluated 2026-04-23.

Conditions:
Hereditary nonpolyposis colorectal neoplasms. Identifiers: MedGen C0009405, MeSH D003123.
Hereditary cancer-predisposing syndrome. Also called: Hereditary neoplastic syndrome; Neoplastic Syndromes, Hereditary; Tumor predisposition; Hereditary Cancer Syndrome. Identifiers: Orphanet 140162, MedGen C0027672, MeSH D009386, MONDO:0015356.

Submissions (2):

Ambry Genetics
Classification: Uncertain significance for Hereditary cancer-predisposing syndrome. Last evaluated: 2026-04-23. Review status: criteria provided, single submitter. Criteria: Ambry Variant Classification Scheme 2023. Collection method: clinical testing. Allele origin: germline.
Comment: The p.R1304T variant (also known as c.3911G>C), located in coding exon 9 of the MSH6 gene, results from a G to C substitution at nucleotide position 3911. The arginine at codon 1304 is replaced by threonine, an amino acid with similar properties. This amino acid position is highly conserved in available vertebrate species. In addition, this alteration is predicted to be deleterious by in silico analysis. Based on the available evidence, the clinical significance of this variant remains unclear.

Labcorp Genetics (formerly Invitae), Labcorp
Classification: Uncertain significance for Hereditary nonpolyposis colorectal neoplasms. Last evaluated: 2020-08-19. Review status: criteria provided, single submitter. Criteria: Invitae Variant Classification Sherloc (09022015). Collection method: clinical testing. Allele origin: germline.
Comment: In summary, the available evidence is currently insufficient to determine the role of this variant in disease. Therefore, it has been classified as a Variant of Uncertain Significance. Algorithms developed to predict the effect of missense changes on protein structure and function are either unavailable or do not agree on the potential impact of this missense change (SIFT: "Deleterious"; PolyPhen-2: "Benign"; Align-GVGD: "Class C0"). This variant has not been reported in the literature in individuals with MSH6-related conditions. This variant is not present in population databases (ExAC no frequency). This sequence change replaces arginine with threonine at codon 1304 of the MSH6 protein (p.Arg1304Thr). The arginine residue is highly conserved and there is a moderate physicochemical difference between arginine and threonine.